The following is an entry in ClinVar:

ClinVar aggregate classification (germline): Uncertain significance (1 of 4 stars; one submission).

Submission:

CeGaT Center for Human Genetics Tuebingen
Classification: Uncertain significance. Last evaluated: 2023-10-01. Review status: criteria provided, single submitter. Criteria: CeGaT Center For Human Genetics Tuebingen Variant Classification Criteria Version 2. Collection method: clinical testing. Allele origin: germline. Affected: yes. Observed: 1 variant allele.
Comment: RASA1: PM2, BP4

NM_002890.3(RASA1):c.1018-4T>C

Genes: CCNH (cyclin H; minus strand), RASA1 (RAS p21 protein activator 1; plus strand). Cytogenetic location: 5q14.3.
Variant type: single nucleotide variant.
Coding change: c.1018-4T>C on transcript NM_002890.3 (MANE Select); 4 bases into the intron before coding-DNA position 1018, T replaced by C.
Molecular consequence: intron variant.
Genome position (GRCh38, 1-based): chr5:87,341,286, T>C. VCF-style: chr5-87341286-T-C. GRCh37 (hg19) VCF-style: chr5-86637103-T-C.
Other names: c.487-4T>C (NM_022650.3); c.934-28491A>G (NM_001364075.2).
Identifiers: ClinVar variation 2655580 (VCV002655580.22), dbSNP rs2531225720, ClinGen allele CA2674515407.